The following is an entry in ClinVar:

ClinVar aggregate classification (germline): Pathogenic. Review status: criteria provided, multiple submitters, no conflicts (2 of 4 stars). 10 submissions from 10 submitters: Pathogenic (7). 3 of the submissions do not count toward it. Last evaluated 2025-01-17.

Conditions:
AGXT-related disorder. Also called: AGXT-related condition.
Primary hyperoxaluria. Identifiers: Orphanet 416, MedGen C0020501, MONDO:0002474.
Primary hyperoxaluria, type I (HP1). Also called: GLYCOLIC ACIDURIA; HEPATIC AGT DEFICIENCY; OXALOSIS I; Primary hyperoxaluria type 1. Identifiers: Orphanet 416, Orphanet 93598, MedGen C0268164, MONDO:0009823, OMIM 259900. Disease mechanism: loss of function.

Submissions (10):

Natera, Inc.
Classification: Pathogenic for Primary hyperoxaluria type I. Last evaluated: 2025-01-17. Review status: criteria provided, single submitter. Criteria: Natera Variant Classification Schema (03/2026). Collection method: clinical testing. Allele origin: germline.
Comment: The c.823_824dupAG variant in AGXT is a frameshift variant predicted to shift the reading frame beginning at codon 275 and leads to a stop codon 38 codons downstream. This variant is expected to result in nonsense mediated decay, truncation, or a dysfunctional protein product. This variant is rare in the general population with a frequency below the threshold expected for the associated phenotype(s). This variant has been observed in one or more individuals affected with the associated recessive disease, as either homozygous or compound heterozygous with a second variant (PMID: 27915025). Given the available evidence, this variant is classified as Pathogenic.

Blueprint Genetics
Classification: Pathogenic for AGXT-related disorders. Last evaluated: 2024-11-25. Review status: criteria provided, single submitter. Criteria: ACMG Guidelines, 2015. Collection method: clinical testing. Allele origin: germline. Affected: yes. Observed: 1 variant allele.

Fulgent Genetics
Classification: Pathogenic for Primary hyperoxaluria, type I. Last evaluated: 2024-05-17. Review status: criteria provided, single submitter. Criteria: ACMG Guidelines, 2015. Collection method: clinical testing. Allele origin: germline.

Labcorp Genetics (formerly Invitae), Labcorp
Classification: Pathogenic. Last evaluated: 2023-11-11. Review status: criteria provided, single submitter. Criteria: Invitae Variant Classification Sherloc (09022015). Collection method: clinical testing. Allele origin: germline.
Comment: This sequence change creates a premature translational stop signal (p.Ser275Argfs*38) in the AGXT gene. It is expected to result in an absent or disrupted protein product. Loss-of-function variants in AGXT are known to be pathogenic (PMID: 19479957). This variant is present in population databases (rs747071948, gnomAD 0.02%). This premature translational stop signal has been observed in individual(s) with primary hyperoxaluria type 1 (PMID: 26252291, 30541997). In at least one individual the data is consistent with being in trans (on the opposite chromosome) from a pathogenic variant. This variant is also known as c.824_825insAG and c.815_816insGA. ClinVar contains an entry for this variant (Variation ID: 204201). Algorithms developed to predict the effect of sequence changes on RNA splicing suggest that this variant may disrupt the consensus splice site. For these reasons, this variant has been classified as Pathogenic.

Victorian Clinical Genetics Services, Murdoch Childrens Research Institute
Classification: Pathogenic for Primary hyperoxaluria, type I. Last evaluated: 2023-07-17. Review status: criteria provided, single submitter. Criteria: ACMG Guidelines, 2015. Collection method: clinical testing. Allele origin: germline. Inheritance: Autosomal recessive inheritance.
Comment: Based on the classification scheme VCGS_Germline_v1.3.4, this variant is classified as Pathogenic. Following criteria are met: 0102 - Loss of function is a known mechanism of disease in this gene and is associated with primary hyperoxaluria type 1 (MIM#259900). (I) 0106 - This gene is associated with autosomal recessive disease. (I) 0115 - Variants in this gene are known to have variable expressivity, with intrafamilial variability reported (GeneReviews). (I) 0201 - Variant is predicted to cause nonsense-mediated decay (NMD) and loss of protein (premature termination codon is located at least 54 nucleotides upstream of the final exon-exon junction). (SP) 0251 - This variant is heterozygous. (I) 0304 - Variant is present in gnomAD <0.01 for a recessive condition (3 heterozygotes, 0 homozygotes). (SP) 0701 - Other NMD-predicted variants comparable to the one identified in this case have very strong previous evidence for pathogenicity (DECIPHER). (SP) 0801 - This variant has strong previous evidence of pathogenicity in unrelated individuals. This variant has been reported several times as pathogenic, and observed in both compound heterozygous and homozygous individuals with primary hyperoxaluria, bilateral stones and a UTI. Two of these individuals also had haematuria (PMID: 37139236, ClinVar). (SP) 1208 - Inheritance information for this variant is not currently available in this individual. (I) Legend: (SP) - Supporting pathogenic, (I) - Information, (SB) - Supporting benign

Women's Health and Genetics/Laboratory Corporation of America, LabCorp
Classification: Pathogenic for Primary hyperoxaluria. Last evaluated: 2018-11-30. Review status: criteria provided, single submitter. Criteria: LabCorp Variant Classification Summary - May 2015. Collection method: clinical testing. Allele origin: germline.
Comment: Variant summary: AGXT c.823_824dupAG (p.Ser275ArgfsX38) results in a premature termination codon, predicted to cause a truncation of the encoded protein or absence of the protein due to nonsense mediated decay, which are commonly known mechanisms for disease. The variant allele was found at a frequency of 1.2e-05 in 246216 control chromosomes (gnomAD). c.823_824dupAG has been reported in the literature in individuals affected with Primary Hyperoxaluria Type 1 (Chen_2015, Cui_2017, Li_2014, Yuen_2004). These data indicate that the variant is likely to be associated with disease. To our knowledge, no experimental evidence demonstrating an impact on protein function has been reported. No clinical diagnostic laboratories have submitted clinical-significance assessments for this variant to ClinVar after 2014. Based on the evidence outlined above, the variant was classified as pathogenic.

Juno Genomics, Hangzhou Juno Genomics, Inc
Classification: Pathogenic for Primary hyperoxaluria, type I. Review status: criteria provided, single submitter. Criteria: ACMG Guidelines, 2015. Collection method: clinical testing. Allele origin: germline.
Comment: Absent from controls (or at extremely low frequency if recessive) in Genome Aggregation Database.;Null variant in a gene where loss of function (LOF) is a known mechanism of disease.;For recessive disorders, detected in trans with a pathogenic variant.;Patient's phenotype or family history is highly specific for a disease with a single genetic etiology.

Chinese Inherited Urolithiasis Consortium, The Affiliated Yantai Yuhuangding Hospital of Qingdao University
Classification: Pathogenic for Primary hyperoxaluria, type I. Last evaluated: 2024-08-26. Review status: no assertion criteria provided. Collection method: clinical testing. Allele origin: maternal, biparental, paternal. Affected: yes. Observed: 7 variant alleles. Not counted in ClinVar's aggregate classification.

Clinical Biochemistry Laboratory, Health Services Laboratory
Classification: Pathogenic for Primary hyperoxaluria, type I. Last evaluated: 2014-11-27. Review status: no assertion criteria provided. Collection method: research. Allele origin: germline. Affected: yes. Not counted in ClinVar's aggregate classification.

Yan Lab, Department of Urology, Pediatric Urolith Center, National Clinical Research Center for Child Health, The Children’s Hospital of Zhejiang University School of Medicine
Classification: Pathogenic for Primary hyperoxaluria, type I. Review status: no assertion criteria provided. Collection method: research. Allele origin: germline. Affected: no. Not counted in ClinVar's aggregate classification.

Literature cited by the submitters: PubMed 27915025 (cited by Natera, Inc.); PubMed 19479957 (cited by Labcorp Genetics (formerly Invitae), Labcorp); PubMed 26252291 (cited by Labcorp Genetics (formerly Invitae), Labcorp and Women's Health and Genetics/Laboratory Corporation of America, LabCorp); PubMed 30541997 (cited by Labcorp Genetics (formerly Invitae), Labcorp); PubMed 37139236 (cited by Victorian Clinical Genetics Services, Murdoch Childrens Research Institute); PubMed 15365967 (cited by Women's Health and Genetics/Laboratory Corporation of America, LabCorp and Clinical Biochemistry Laboratory, Health Services Laboratory); PubMed 24934730 (cited by Women's Health and Genetics/Laboratory Corporation of America, LabCorp); PubMed 28202121 (cited by Women's Health and Genetics/Laboratory Corporation of America, LabCorp).

NM_000030.3(AGXT):c.823_824dup (p.Ser275fs)

Gene: AGXT (alanine--glyoxylate aminotransferase; plus strand). Cytogenetic location: 2q37.3.
Variant type: Microsatellite.
Coding change: c.823_824dup on transcript NM_000030.3 (MANE Select); coding-DNA positions 823 to 824, 2 bases duplicated (AG; older notation c.823_824dupAG).
Protein change: p.Ser275fs; shifts the reading frame from serine 275.
Molecular consequence: frameshift variant.
Genome position (GRCh38, 1-based): chr2:240,875,981-240,875,982, AG duplicated; duplicating any 2 consecutive bases within chr2:240,875,974-240,875,982 gives the same sequence; the c. name uses the placement nearest the transcript's 3' end. VCF-style (leftmost placement, unchanged base first): chr2-240875973-T-TGA. GRCh37 (hg19) VCF-style: chr2-241815390-T-TGA.
Other names: c.823_824dup (NM_000030.2); c.823_824dupAG (NM_000030.3); short protein forms S275fs.
Identifiers: ClinVar variation 204201 (VCV000204201.22), dbSNP rs180177273, ClinGen allele CA275854.
Genomic context (GRCh38, chr2:240,875,973, plus strand): 5'-CAAGCCCCCTCGTGTCTTCCAGGTACCATCACACAATCCCCGTCATCAGCCTGTACAGCC[T>TGA]GAGAGAGAGCCTGGCCCTCATTGCGGAACAGGTGCATGGGCTGCACTCCACAGGAGGAGA-3'